The following is an entry in ClinVar:

NM_020806.5(GPHN):c.144-1G>C

Gene: GPHN (gephyrin; plus strand). Cytogenetic location: 14q23.3.
Variant type: single nucleotide variant.
Coding change: c.144-1G>C on transcript NM_020806.5 (MANE Select); the canonical splice acceptor site of the intron before coding-DNA position 144, G replaced by C.
Molecular consequence: splice acceptor variant.
Genome position (GRCh38, 1-based): chr14:66,776,463, G>C. VCF-style: chr14-66776463-G-C. GRCh37 (hg19) VCF-style: chr14-67243181-G-C.
Other names: c.144-1G>C (NM_001377514.1, NM_001377519.1, NM_001377515.1 and 4 more transcripts).
Identifiers: ClinVar variation 2014665 (VCV002014665.4), dbSNP rs2549068048, ClinGen allele CA390255171.
Genomic context (GRCh38, chr14:66,776,463, plus strand): 5'-TCTTTCATACATTTTAAACACTATTGCTGGTTTTGAGAATATTTTCTTCTCCTAATTTCA[G>C]GTTGGGTGGGACTATATCAGCATACAAGATAGTACCAGATGAAATAGAAGAAATCAAGGT-3'

ClinVar aggregate classification (germline): Likely pathogenic (1 of 4 stars; one submission).

Conditions:
Sulfite oxidase deficiency due to molybdenum cofactor deficiency type C. Also called: Molybdenum cofactor deficiency, complementation group C; Molybdenum cofactor deficiency C. Identifiers: Orphanet 308400, Orphanet 833, MedGen C1854990, MONDO:0014212, OMIM 615501.

Submission:

Labcorp Genetics (formerly Invitae), Labcorp
Classification: Likely pathogenic for Sulfite oxidase deficiency due to molybdenum cofactor deficiency type C. Last evaluated: 2022-11-14. Review status: criteria provided, single submitter. Criteria: Invitae Variant Classification Sherloc (09022015). Collection method: clinical testing. Allele origin: germline.
Comment: This variant is not present in population databases (gnomAD no frequency). This sequence change affects an acceptor splice site in intron 2 of the GPHN gene. It is expected to disrupt RNA splicing. Variants that disrupt the donor or acceptor splice site typically lead to a loss of protein function (PMID: 16199547), and loss-of-function variants in GPHN are known to be pathogenic (PMID: 11095995, 23184456, 23393157). This variant has not been reported in the literature in individuals affected with GPHN-related conditions. Algorithms developed to predict the effect of sequence changes on RNA splicing suggest that this variant may disrupt the consensus splice site. In summary, the currently available evidence indicates that the variant is pathogenic, but additional data are needed to prove that conclusively. Therefore, this variant has been classified as Likely Pathogenic.

Literature cited by the submitters: PubMed 16199547; PubMed 11095995; PubMed 23184456; PubMed 23393157.